The following is an entry in ClinVar:

ClinVar aggregate classification (germline): Uncertain significance. Review status: criteria provided, multiple submitters, no conflicts (2 of 4 stars). 2 submissions from 2 submitters: Uncertain significance (2). Last evaluated 2025-05-17.

Conditions:
Hereditary cancer-predisposing syndrome. Also called: Hereditary neoplastic syndrome; Tumor predisposition; Hereditary Cancer Syndrome; Neoplastic Syndromes, Hereditary. Identifiers: Orphanet 140162, MedGen C0027672, MeSH D009386, MONDO:0015356.
POLD1-related polyposis and colorectal cancer syndrome (CRCS10). Also called: Colorectal cancer, susceptibility to, 10; Colorectal cancer 10; COLORECTAL CANCER, SUSCEPTIBILITY TO, ON CHROMOSOME 19q. Identifiers: Orphanet 220460, MedGen C2675481, MONDO:0012953, OMIM 612591.

Allele frequency attached by ClinVar (database versions not stated): gnomAD exomes below 0.00001; ExAC 0.00001.
gnomAD v4.1: 2 of 1,613,508 alleles (0.00012%); highest among the groups gnomAD compares: Non-Finnish European, 0.000085%; no homozygotes.

Submissions (2):

Ambry Genetics
Classification: Uncertain significance for Hereditary cancer-predisposing syndrome. Last evaluated: 2025-05-17. Review status: criteria provided, single submitter. Criteria: Ambry Variant Classification Scheme 2023. Collection method: clinical testing. Allele origin: germline.
Comment: The p.R683L variant (also known as c.2048G>T), located in coding exon 16 of the POLD1 gene, results from a G to T substitution at nucleotide position 2048. The arginine at codon 683 is replaced by leucine, an amino acid with dissimilar properties. This amino acid position is conserved. In addition, this alteration is predicted to be tolerated by in silico analysis. Since supporting evidence is limited at this time, the clinical significance of this alteration remains unclear.

Labcorp Genetics (formerly Invitae), Labcorp
Classification: Uncertain significance for POLD1-related polyposis and colorectal cancer syndrome. Last evaluated: 2022-07-16. Review status: criteria provided, single submitter. Criteria: Invitae Variant Classification Sherloc (09022015). Collection method: clinical testing. Allele origin: germline.
Comment: Algorithms developed to predict the effect of missense changes on protein structure and function (SIFT, PolyPhen-2, Align-GVGD) all suggest that this variant is likely to be disruptive. ClinVar contains an entry for this variant (Variation ID: 643573). This variant has not been reported in the literature in individuals affected with POLD1-related conditions. This variant is present in population databases (rs754913337, gnomAD 0.004%). This sequence change replaces arginine, which is basic and polar, with leucine, which is neutral and non-polar, at codon 683 of the POLD1 protein (p.Arg683Leu). In summary, the available evidence is currently insufficient to determine the role of this variant in disease. Therefore, it has been classified as a Variant of Uncertain Significance.

NM_002691.4(POLD1):c.2048G>T (p.Arg683Leu)

Gene: POLD1 (DNA polymerase delta 1, catalytic subunit; plus strand). Cytogenetic location: 19q13.33.
Variant type: single nucleotide variant.
Coding change: c.2048G>T on transcript NM_002691.4 (MANE Select); coding-DNA position 2048, G replaced by T.
Protein change: p.Arg683Leu; replaces arginine 683 with leucine.
Molecular consequence: missense variant. On other transcripts: non-coding transcript variant (1).
Genome position (GRCh38, 1-based): chr19:50,409,560, G>T. VCF-style: chr19-50409560-G-T. GRCh37 (hg19) VCF-style: chr19-50912817-G-T.
Other names: c.2048G>T, p.Arg683Leu (NM_001256849.1); c.2126G>T, p.Arg709Leu (NM_001308632.1); c.2048G>T (NM_002691.2); short protein forms R683L, R709L.
Identifiers: ClinVar variation 643573 (VCV000643573.10), dbSNP rs754913337, ClinGen allele CA9596378.
Genomic context (GRCh38, chr19:50,409,560, plus strand): 5'-TCCCCGTGTTCCCTCGCAGGGCCAAGGCCGAGCTGGCCAAGGAGACAGACCCCCTCCGGC[G>T]CCAGGTCCTGGATGGACGGCAGCTGGCGCTGAAGGTGAGCGCCAACTCCGTATACGGCTT-3'
Protein context (NP_002682.2, residues 673-693): ELAKETDPLR[Arg683Leu]QVLDGRQLAL